The following is an entry in ClinVar:

ClinVar aggregate classification (germline): Uncertain significance. Review status: criteria provided, multiple submitters, no conflicts (2 of 4 stars). 3 submissions from 3 submitters: Uncertain significance (3). Last evaluated 2025-12-08.

Conditions:
Inborn genetic diseases. Identifiers: MedGen C0950123, MeSH D030342.
Nephronophthisis 15 (NPHP15). Identifiers: Orphanet 3156, MedGen C3541853, MONDO:0013917, OMIM 614845.

Allele frequency attached by ClinVar (database versions not stated): gnomAD exomes below 0.00001 and 0.00001; ExAC 0.00001.
gnomAD v4.1: 9 of 1,614,076 alleles (0.00056%); highest among the groups gnomAD compares: South Asian, 0.0011%; no homozygotes.

Submissions (3):

Ambry Genetics
Classification: Uncertain significance for Inborn genetic diseases. Last evaluated: 2025-12-08. Review status: criteria provided, single submitter. Criteria: Ambry Variant Classification Scheme 2023. Collection method: clinical testing. Allele origin: germline.

Labcorp Genetics (formerly Invitae), Labcorp
Classification: Uncertain significance for Nephronophthisis 15. Last evaluated: 2024-02-02. Review status: criteria provided, single submitter. Criteria: Invitae Variant Classification Sherloc (09022015). Collection method: clinical testing. Allele origin: germline.
Comment: This sequence change replaces proline, which is neutral and non-polar, with serine, which is neutral and polar, at codon 1240 of the CEP164 protein (p.Pro1240Ser). This variant is present in population databases (rs745898523, gnomAD 0.0009%). This variant has not been reported in the literature in individuals affected with CEP164-related conditions. ClinVar contains an entry for this variant (Variation ID: 936251). Advanced modeling of protein sequence and biophysical properties (such as structural, functional, and spatial information, amino acid conservation, physicochemical variation, residue mobility, and thermodynamic stability) performed at Invitae indicates that this missense variant is not expected to disrupt CEP164 protein function with a negative predictive value of 80%. In summary, the available evidence is currently insufficient to determine the role of this variant in disease. Therefore, it has been classified as a Variant of Uncertain Significance.

Blueprint Genetics
Classification: Uncertain significance. Last evaluated: 2021-10-14. Review status: criteria provided, single submitter. Criteria: ACMG Guidelines, 2015. Collection method: clinical testing. Allele origin: germline.

NM_014956.5(CEP164):c.3718C>T (p.Pro1240Ser)

Gene: CEP164 (centrosomal protein 164; plus strand). Cytogenetic location: 11q23.3.
Variant type: single nucleotide variant.
Coding change: c.3718C>T on transcript NM_014956.5 (MANE Select); coding-DNA position 3718, C replaced by T.
Protein change: p.Pro1240Ser; replaces proline 1240 with serine.
Molecular consequence: missense variant.
Genome position (GRCh38, 1-based): chr11:117,408,998, C>T. VCF-style: chr11-117408998-C-T. GRCh37 (hg19) VCF-style: chr11-117279714-C-T.
Other names: c.3727C>T, p.Pro1243Ser (NM_001271933.2); short protein forms P1240S, P1243S.
Identifiers: ClinVar variation 936251 (VCV000936251.9), dbSNP rs745898523, ClinGen allele CA6295541.